The following is an entry in ClinVar:

NM_014159.7(SETD2):c.6686T>G (p.Val2229Gly)

Gene: SETD2 (SET domain containing 2, histone lysine methyltransferase; minus strand). Cytogenetic location: 3p21.31.
Variant type: single nucleotide variant.
Coding change: c.6686T>G on transcript NM_014159.7 (MANE Select); coding-DNA position 6686, T replaced by G.
Protein change: p.Val2229Gly; replaces valine 2229 with glycine.
Molecular consequence: missense variant. On other transcripts: non-coding transcript variant (1).
Genome position (GRCh38, 1-based): chr3:47,057,098, A>C on the plus strand (T>G on the coding strand, the complement: SETD2 is on the minus strand). VCF-style: chr3-47057098-A-C. GRCh37 (hg19) VCF-style: chr3-47098588-A-C.
Other names: c.6554T>G, p.Val2185Gly (NM_001349370.3); short protein forms V2229G, V2185G.
Identifiers: ClinVar variation 475535 (VCV000475535.14), dbSNP rs377066147, ClinGen allele CA2362680.

ClinVar aggregate classification (germline): Benign/Likely benign. Review status: criteria provided, multiple submitters, no conflicts (2 of 4 stars). 5 submissions from 5 submitters: Benign (2); Likely benign (1). 2 of the submissions do not count toward it. Last evaluated 2025-02-06.

Conditions:
Luscan-Lumish syndrome. Identifiers: Orphanet 597738, MedGen C4085873, MONDO:0014791, OMIM 616831.

Allele frequency attached by ClinVar (database versions not stated): gnomAD 0.00002 and 0.00075; TOPMed 0.00015; gnomAD exomes 0.00103 and 0.00214; ExAC 0.00252; 1000 Genomes Project 30x 0.00453; 1000 Genomes Project 0.00499.
gnomAD v4.1: 1,622 of 1,614,242 alleles (0.1%); highest among the groups gnomAD compares: South Asian, 1.7%; 39 homozygotes.

Submissions (5):

Labcorp Genetics (formerly Invitae), Labcorp
Classification: Benign for Luscan-Lumish syndrome. Last evaluated: 2025-02-06. Review status: criteria provided, single submitter. Criteria: Invitae Variant Classification Sherloc (09022015). Collection method: clinical testing. Allele origin: germline.

GeneDx
Classification: Likely benign. Last evaluated: 2023-03-28. Review status: criteria provided, single submitter. Criteria: GeneDx Variant Classification Process June 2021. Collection method: clinical testing. Allele origin: germline. Affected: yes.
Comment: See Variant Classification Assertion Criteria.

Breakthrough Genomics
Classification: Benign. Review status: criteria provided, single submitter. Criteria: ACMG Guidelines, 2015. Collection method: not provided. Allele origin: germline. Inheritance: Autosomal dominant inheritance. Affected: yes.

Clinical Genetics DNA and cytogenetics Diagnostics Lab, Erasmus MC, Erasmus Medical Center
Classification: Benign. Review status: no assertion criteria provided. Collection method: clinical testing. Allele origin: germline. Affected: yes. Study: VKGL Data-share Consensus. Not counted in ClinVar's aggregate classification.

Laboratory of Diagnostic Genome Analysis, Leiden University Medical Center (LUMC)
Classification: Likely benign. Review status: no assertion criteria provided. Collection method: clinical testing. Allele origin: germline. Affected: yes. Study: VKGL Data-share Consensus. Not counted in ClinVar's aggregate classification.